The following is an entry in ClinVar:

NM_001001433.3(STX16):c.394-7C>T

Genes: STX16 (syntaxin 16; plus strand), STX16-NPEPL1 (STX16-NPEPL1 readthrough (NMD candidate); plus strand). Cytogenetic location: 20q13.32.
Variant type: single nucleotide variant.
Coding change: c.394-7C>T on transcript NM_001001433.3 (MANE Select); 7 bases into the intron before coding-DNA position 394, C replaced by T.
Molecular consequence: intron variant.
Genome position (GRCh38, 1-based): chr20:58,669,284, C>T. VCF-style: chr20-58669284-C-T. GRCh37 (hg19) VCF-style: chr20-57244340-C-T.
Other names: c.382-7C>T (NM_001134772.3); c.343-7C>T (NM_001134773.3); c.331-7C>T (NM_003763.6); c.235-7C>T (NM_001204868.2).
Identifiers: ClinVar variation 339047 (VCV000339047.5), dbSNP rs533111939, ClinGen allele CA9925301.

ClinVar aggregate classification (germline): Benign (1 of 4 stars; one submission).

Conditions:
Pseudohypoparathyroidism type 1B (PHP1B). Also called: PHP IB; Pseudohypoparathyroidism Ib (PHP-Ib); Pseudohypoparathyroidism Type IB. Identifiers: Orphanet 94089, MedGen C1864100, MONDO:0011301, OMIM 603233.

Allele frequency attached by ClinVar (database versions not stated): gnomAD 0.00004 and 0.00015; TOPMed 0.00005; 1000 Genomes Project 30x 0.00078; gnomAD exomes 0.00079; 1000 Genomes Project 0.00080; ExAC 0.00086.
gnomAD v4.1: 590 of 1,609,642 alleles (0.037%); highest among the groups gnomAD compares: South Asian, 0.59%; 13 homozygotes.

Submission:

Illumina Laboratory Services, Illumina
Classification: Benign for Pseudohypoparathyroidism type 1B. Last evaluated: 2018-01-13. Review status: criteria provided, single submitter. Criteria: ICSL Variant Classification Criteria 13 December 2019. Collection method: clinical testing. Allele origin: germline.
Comment: This variant was observed in the ICSL laboratory as part of a predisposition screen in an ostensibly healthy population. It had not been previously curated by ICSL or reported in the Human Gene Mutation Database (HGMD: prior to June 1st, 2018), and was therefore a candidate for classification through an automated scoring system. Utilizing variant allele frequency, disease prevalence and penetrance estimates, and inheritance mode, an automated score was calculated to assess if this variant is too frequent to cause the disease. Based on the score and internal cut-off values, a variant classified as benign is not then subjected to further curation. The score for this variant resulted in a classification of benign for this disease.